The following is an entry in ClinVar:

ClinVar aggregate classification (germline): Uncertain significance (1 of 4 stars; one submission).

Conditions:
KIDINS220-related disorder. Also called: KIDINS220-related condition.

Allele frequency attached by ClinVar (database versions not stated): gnomAD 0.00001; gnomAD exomes 0.00001; ExAC 0.00002; TOPMed 0.00003.
gnomAD v4.1: 12 of 1,604,752 alleles (0.00075%); highest among the groups gnomAD compares: East Asian, 0.0067%; no homozygotes.

Submission:

PreventionGenetics, part of Exact Sciences
Classification: Uncertain significance for KIDINS220-related condition. Last evaluated: 2022-08-18. Review status: criteria provided, single submitter. Criteria: ACMG Guidelines, 2015. Collection method: clinical testing. Allele origin: germline.
Comment: The KIDINS220 c.3176G>A variant is predicted to result in the amino acid substitution p.Arg1059Gln. To our knowledge, this variant has not been reported in the literature. This variant is reported in 0.0073% of alleles in individuals of South Asian descent in gnomAD. At this time, the clinical significance of this variant is uncertain due to the absence of conclusive functional and genetic evidence.

NM_020738.4(KIDINS220):c.3176G>A (p.Arg1059Gln)

Gene: KIDINS220 (kinase D interacting substrate 220; minus strand). Cytogenetic location: 2p25.1.
Variant type: single nucleotide variant.
Coding change: c.3176G>A on transcript NM_020738.4 (MANE Select); coding-DNA position 3176, G replaced by A.
Protein change: p.Arg1059Gln; replaces arginine 1059 with glutamine.
Molecular consequence: missense variant. On other transcripts: non-coding transcript variant (2).
Genome position (GRCh38, 1-based): chr2:8,751,480, C>T on the plus strand (G>A on the coding strand, the complement: KIDINS220 is on the minus strand). VCF-style: chr2-8751480-C-T. GRCh37 (hg19) VCF-style: chr2-8891610-C-T.
Other names: c.3179G>A, p.Arg1060Gln (NM_001348729.2, NM_001348731.2, NM_001348734.2 and 2 more transcripts); c.3176G>A, p.Arg1059Gln (NM_001348732.2, NM_001348735.2, NM_001348738.2 and 3 more transcripts); c.3050G>A, p.Arg1017Gln (NM_001348736.2); short protein forms R1017Q, R1059Q, R1060Q.
Identifiers: ClinVar variation 2636326 (VCV002636326.1), dbSNP rs753196959, ClinGen allele CA1519755.
Genomic context (GRCh38, chr2:8,751,480, plus strand): 5'-TTCTTAGAACTTTAGATGAAAAATTAAATTTACTACTAATACCCACCTGCAATAATTTCC[C>T]GTAGTTTGGGATCTAGGTTTACAGTGCATGGCAAAAAGACTTTTACATCTCGAGCCACAA-3'
Protein context (NP_065789.1, residues 1049-1069): PCTVNLDPKL[Arg1059Gln]EIIADVRAAR